The following is an entry in ClinVar:

ClinVar aggregate classification (germline): Uncertain significance (1 of 4 stars; one submission).

Conditions:
Rubinstein-Taybi syndrome (RSTS). Identifiers: Orphanet 783, MedGen C0035934, MONDO:0019188.

Submission:

Labcorp Genetics (formerly Invitae), Labcorp
Classification: Uncertain significance for Rubinstein-Taybi syndrome. Last evaluated: 2022-05-18. Review status: criteria provided, single submitter. Criteria: Invitae Variant Classification Sherloc (09022015). Collection method: clinical testing. Allele origin: germline.
Comment: This variant is not present in population databases (gnomAD no frequency). This variant has not been reported in the literature in individuals affected with CREBBP-related conditions. Advanced modeling of protein sequence and biophysical properties (such as structural, functional, and spatial information, amino acid conservation, physicochemical variation, residue mobility, and thermodynamic stability) performed at Invitae indicates that this missense variant is not expected to disrupt CREBBP protein function. In summary, the available evidence is currently insufficient to determine the role of this variant in disease. Therefore, it has been classified as a Variant of Uncertain Significance. This sequence change replaces proline, which is neutral and non-polar, with histidine, which is basic and polar, at codon 726 of the CREBBP protein (p.Pro726His).

NM_004380.3(CREBBP):c.2177C>A (p.Pro726His)

Gene: CREBBP (CREB binding lysine acetyltransferase; minus strand). Cytogenetic location: 16p13.3.
Variant type: single nucleotide variant.
Coding change: c.2177C>A on transcript NM_004380.3 (MANE Select); coding-DNA position 2177, C replaced by A.
Protein change: p.Pro726His; replaces proline 726 with histidine.
Molecular consequence: missense variant.
Genome position (GRCh38, 1-based): chr16:3,774,675, G>T on the plus strand (C>A on the coding strand, the complement: CREBBP is on the minus strand). VCF-style: chr16-3774675-G-T. GRCh37 (hg19) VCF-style: chr16-3824676-G-T.
Other names: c.2063C>A, p.Pro688His (NM_001079846.1); short protein forms P726H, P688H.
Identifiers: ClinVar variation 1992897 (VCV001992897.4), dbSNP rs2548424958, ClinGen allele CA394553396.
Genomic context (GRCh38, chr16:3,774,675, plus strand): 5'-GGGGAGGCTGCACGAGGTCCCATGGGTGCTTGTGGCAACTGGACGTTCCCCAAGGACATG[G>T]GGTTAAATGAATTCATCCCTGTAAATGTACCCACAACGGTTCATTAGGAAAAGCACCCAC-3'
Protein context (NP_004371.2, residues 716-736): QVSQGMNSFN[Pro726His]MSLGNVQLPQ